The following is an entry in ClinVar:

ClinVar aggregate classification (germline): Uncertain significance (1 of 4 stars; one submission).

Allele frequency attached by ClinVar (database versions not stated): TOPMed below 0.00001.

Submission:

Labcorp Genetics (formerly Invitae), Labcorp
Classification: Uncertain significance. Last evaluated: 2021-05-06. Review status: criteria provided, single submitter. Criteria: Invitae Variant Classification Sherloc (09022015). Collection method: clinical testing. Allele origin: germline.
Comment: In summary, the available evidence is currently insufficient to determine the role of this variant in disease. Therefore, it has been classified as a Variant of Uncertain Significance. Algorithms developed to predict the effect of missense changes on protein structure and function are either unavailable or do not agree on the potential impact of this missense change (SIFT: "Deleterious"; PolyPhen-2: "Not Available"; Align-GVGD: "Class C0"). This variant has not been reported in the literature in individuals with TOPORS-related conditions. This variant is not present in population databases (ExAC no frequency). This sequence change replaces histidine with arginine at codon 756 of the TOPORS protein (p.His756Arg). The histidine residue is moderately conserved and there is a small physicochemical difference between histidine and arginine.

NM_005802.5(TOPORS):c.2267A>G (p.His756Arg)

Gene: TOPORS (TOP1 binding arginine/serine rich protein, E3 ubiquitin ligase; minus strand). Cytogenetic location: 9p21.1.
Variant type: single nucleotide variant.
Coding change: c.2267A>G on transcript NM_005802.5 (MANE Select); coding-DNA position 2267, A replaced by G.
Protein change: p.His756Arg; replaces histidine 756 with arginine.
Molecular consequence: missense variant.
Genome position (GRCh38, 1-based): chr9:32,542,258, T>C on the plus strand (A>G on the coding strand, the complement: TOPORS is on the minus strand). VCF-style: chr9-32542258-T-C. GRCh37 (hg19) VCF-style: chr9-32542256-T-C.
Other names: c.2072A>G, p.His691Arg (NM_001195622.2); short protein forms H691R, H756R.
Identifiers: ClinVar variation 1383841 (VCV001383841.8), dbSNP rs1821076742, ClinGen allele CA373165004.